The following is an entry in ClinVar:

NM_004947.5(DOCK3):c.4958C>T (p.Ser1653Phe)

Gene: DOCK3 (dedicator of cytokinesis 3; plus strand). Cytogenetic location: 3p21.2.
Variant type: single nucleotide variant.
Coding change: c.4958C>T on transcript NM_004947.5 (MANE Select); coding-DNA position 4958, C replaced by T.
Protein change: p.Ser1653Phe; replaces serine 1653 with phenylalanine.
Molecular consequence: missense variant.
Genome position (GRCh38, 1-based): chr3:51,360,584, C>T. VCF-style: chr3-51360584-C-T. GRCh37 (hg19) VCF-style: chr3-51398015-C-T.
Other names: short protein forms S1653F.
Identifiers: ClinVar variation 967573 (VCV000967573.8), dbSNP rs2086662531, ClinGen allele CA352975773.

ClinVar aggregate classification (germline): Uncertain significance. Review status: criteria provided, multiple submitters, no conflicts (2 of 4 stars). 2 submissions from 2 submitters: Uncertain significance (2). Last evaluated 2025-05-19.

Conditions:
Inborn genetic diseases. Identifiers: MedGen C0950123, MeSH D030342.

Allele frequency attached by ClinVar (database versions not stated): gnomAD exomes below 0.00001; TOPMed below 0.00001.
gnomAD v4.1: 3 of 1,613,764 alleles (0.00019%); highest among the groups gnomAD compares: Non-Finnish European, 0.00017%; no homozygotes.

Submissions (2):

Ambry Genetics
Classification: Uncertain significance for Inborn genetic diseases. Last evaluated: 2025-05-19. Review status: criteria provided, single submitter. Criteria: Ambry Variant Classification Scheme 2023. Collection method: clinical testing. Allele origin: germline.

Labcorp Genetics (formerly Invitae), Labcorp
Classification: Uncertain significance. Last evaluated: 2019-09-28. Review status: criteria provided, single submitter. Criteria: Invitae Variant Classification Sherloc (09022015). Collection method: clinical testing. Allele origin: germline.
Comment: This variant is not present in population databases (ExAC no frequency). This sequence change replaces serine with phenylalanine at codon 1653 of the DOCK3 protein (p.Ser1653Phe). The serine residue is highly conserved and there is a large physicochemical difference between serine and phenylalanine. This variant has not been reported in the literature in individuals with DOCK3-related conditions. Algorithms developed to predict the effect of missense changes on protein structure and function are either unavailable or do not agree on the potential impact of this missense change (SIFT: "Deleterious"; PolyPhen-2: "Possibly Damaging"; Align-GVGD: "Class C15"). In summary, the available evidence is currently insufficient to determine the role of this variant in disease. Therefore, it has been classified as a Variant of Uncertain Significance.